The following is an entry in ClinVar:

NM_000545.8(HNF1A):c.1464C>G (p.Pro488=)

Gene: HNF1A (HNF1 homeobox A; plus strand). Cytogenetic location: 12q24.31.
Variant type: single nucleotide variant.
Coding change: c.1464C>G on transcript NM_000545.8 (MANE Select); coding-DNA position 1464, C replaced by G.
Protein change: p.Pro488=; no amino-acid change (proline 488 retained).
Molecular consequence: synonymous variant.
Genome position (GRCh38, 1-based): chr12:120,997,628, C>G. VCF-style: chr12-120997628-C-G. GRCh37 (hg19) VCF-style: chr12-121435431-C-G.
Other names: c.1464C>G, p.Pro488= (NM_001306179.2).
Identifiers: ClinVar variation 728301 (VCV000728301.7), dbSNP rs765827203, ClinGen allele CA6832048.

ClinVar aggregate classification (germline): Likely benign. Review status: criteria provided, multiple submitters, no conflicts (2 of 4 stars). 2 submissions from 2 submitters: Likely benign (2). Last evaluated 2022-11-23.

Conditions:
Maturity-onset diabetes of the young (MODY). Also called: Maturity onset diabetes mellitus in young. Identifiers: Orphanet 552, MedGen C0342276, MONDO:0018911, HP:0004904.

Allele frequency attached by ClinVar (database versions not stated): gnomAD below 0.00001 and 0.00001; gnomAD exomes 0.00003; ExAC 0.00004.
gnomAD v4.1: 27 of 1,613,232 alleles (0.0017%); highest among the groups gnomAD compares: South Asian, 0.027%; no homozygotes.

Submissions (2):

Labcorp Genetics (formerly Invitae), Labcorp
Classification: Likely benign. Last evaluated: 2022-11-23. Review status: criteria provided, single submitter. Criteria: Invitae Variant Classification Sherloc (09022015). Collection method: clinical testing. Allele origin: germline.

Clinical Genomics, Uppaluri K&H Personalized Medicine Clinic
Classification: Likely benign for Maturity-onset diabetes of the young. Review status: criteria provided, single submitter. Criteria: K & H Uppaluri Personalized Medicine Clinic Variant Classification & Assertion Criteria_Updated V.1. Collection method: research. Allele origin: unknown. Inheritance: Autosomal dominant inheritance.
Comment: Mutations in HNF1A gene can predispose to MODY3. It is associated with both micro and macrovascular complications of diabetes, especially cardiovascular complications. Associated with glucosuria. May respond well to sulfonylureas. However, more evidence is required to confer the association of this particular variant rs765827203 with MODY3.

Literature cited by the submitters: PubMed 31517624 (cited by Clinical Genomics, Uppaluri K&H Personalized Medicine Clinic); PubMed 32395877 (cited by Clinical Genomics, Uppaluri K&H Personalized Medicine Clinic); PubMed 35328643 (cited by Clinical Genomics, Uppaluri K&H Personalized Medicine Clinic); PubMed 35673428 (cited by Clinical Genomics, Uppaluri K&H Personalized Medicine Clinic).